The following is an entry in ClinVar:

ClinVar aggregate classification (germline): Pathogenic. Review status: reviewed by expert panel (3 of 4 stars). 2 submissions from 2 submitters: Pathogenic (1). 1 of the submissions does not count toward it. Last evaluated 2022-08-05.

Conditions:
Glanzmann thrombasthenia. Also called: Thrombasthenia; BLEEDING DISORDER, PLATELET-TYPE, 2; THROMBASTHENIA OF GLANZMANN AND NAEGELI; PLATELET GLYCOPROTEIN IIb-IIIa DEFICIENCY; Glanzmann's thrombasthenia. Identifiers: Orphanet 849, MedGen C0040015, MONDO:0100326.

Submissions (2):

ClinGen Platelet Disorders Variant Curation Expert Panel, ClinGen
Classification: Pathogenic for Glanzmann thrombasthenia. Last evaluated: 2022-08-05. Review status: reviewed by expert panel. Criteria: ClinGen Platelet ACMG Specifications v2-1. Collection method: curation. Allele origin: germline. Inheritance: Autosomal recessive inheritance.
Comment: The NM_000419.5(ITGA2B):c.2975_2979del variant (current HGVS nomenclature of c.2971_2975del) that results in the p.Glu992Glyfs*42 frameshift has been reported homozygous (PM3_supporting) in at least one GT proband (P16 in PMID: 34275420) who displayed mucocutaneous bleeding and impaired aggregation with all agonists except ristocetin, which is highly specific for Glanzmann thrombasthenia. Additionally, αIIbβ3 surface expression was reduced to <5%, as measured by flow cytometry (PP4_strong). The variant alters the critical transmembrane domain (PVS1). The variant is absent from population databases (PM2_supporting). In summary, based on the available evidence at this time, the variant is classified as pathogenic for GT. GT-specific criteria applied: PVS1_Strong, PM2_Supporting, PM3_supporting, PP1, PP4_strong.

Departement d'Immunology Plaquettaire, Institut National de la Transfusion Sanguine
Classification: Pathogenic for Glanzmann thrombasthenia 1. Review status: criteria provided, single submitter. Criteria: ACMG Guidelines, 2015. Collection method: provider interpretation, research. Allele origin: germline. Inheritance: Autosomal recessive inheritance. Affected: yes. Observed: 4 variant alleles, 2 heterozygotes, 2 homozygotes. Not counted in ClinVar's aggregate classification.
Comment: The variant alters the expression of the platelets fibrinogen receptor alphaIIb beta3

Literature cited by the submitters: PubMed 32139434 (cited by Departement d'Immunology Plaquettaire, Institut National de la Transfusion Sanguine); PubMed 16722529 (cited by Departement d'Immunology Plaquettaire, Institut National de la Transfusion Sanguine).

NM_000419.5(ITGA2B):c.2975_2979del (p.Glu992fs)

Gene: ITGA2B (integrin subunit alpha 2b; minus strand). Cytogenetic location: 17q21.31.
Variant type: Deletion.
Coding change: c.2975_2979del on transcript NM_000419.5 (MANE Select); coding-DNA positions 2975 to 2979, 5 bases deleted (AGAGG; older notation c.2975_2979delAGAGG).
Protein change: p.Glu992fs; shifts the reading frame from glutamic acid 992.
Molecular consequence: frameshift variant.
Genome position (GRCh38, 1-based): chr17:44,374,435-44,374,439, CCTCT deleted on the plus strand (AGAGG on the coding strand, the reverse complement: ITGA2B is on the minus strand); deleting any 5 consecutive bases within chr17:44,374,435-44,374,443 gives the same sequence; the c. name uses the placement nearest the transcript's 3' end. VCF-style (leftmost placement, unchanged base first): chr17-44374434-CCCTCT-C. GRCh37 (hg19) VCF-style: chr17-42451802-CCCTCT-C.
Other names: short protein forms E992fs.
Identifiers: ClinVar variation 977130 (VCV000977130.3), dbSNP rs2048521407, ClinGen allele CA1139665644.
Genomic context (GRCh38, chr17:44,374,434, plus strand): 5'-GGATGGTGAGCAGCAGCAGGCCACCCAGCACACCCACCAGCACCCACCAGATTGGAATGG[CCCTCT>C]CCTCCAAGGCCCGGAGCAGCTGTGTCCACACCTGGGGGCAAACCCACGTGTCTCCTCAGT-3'